The following is an entry in ClinVar:

ClinVar aggregate classification (germline): Uncertain significance (1 of 4 stars; one submission).

Conditions:
Charcot-Marie-Tooth disease type 2R. Also called: CHARCOT-MARIE-TOOTH DISEASE, AXONAL, AUTOSOMAL RECESSIVE, TYPE 2R; Charcot-Marie-Tooth disease, axonal, type 2R; CHARCOT-MARIE-TOOTH NEUROPATHY, TYPE 2R. Identifiers: Orphanet 397968, MedGen C3809655, MONDO:0014208, OMIM 615490.

gnomAD v4.1: 20 of 1,608,674 alleles (0.0012%); highest among the groups gnomAD compares: Non-Finnish European, 0.0017%; no homozygotes.

Submission:

Labcorp Genetics (formerly Invitae), Labcorp
Classification: Uncertain significance for Charcot-Marie-Tooth disease type 2R. Last evaluated: 2021-08-15. Review status: criteria provided, single submitter. Criteria: Invitae Variant Classification Sherloc (09022015). Collection method: clinical testing. Allele origin: germline.
Comment: This sequence change replaces glutamine with arginine at codon 651 of the TRIM2 protein (p.Gln651Arg). The glutamine residue is moderately conserved and there is a small physicochemical difference between glutamine and arginine. This variant is not present in population databases (ExAC no frequency). This variant has not been reported in the literature in individuals affected with TRIM2-related conditions. Algorithms developed to predict the effect of missense changes on protein structure and function (SIFT, PolyPhen-2, Align-GVGD) all suggest that this variant is likely to be tolerated. In summary, the available evidence is currently insufficient to determine the role of this variant in disease. Therefore, it has been classified as a Variant of Uncertain Significance.

NM_015271.5(TRIM2):c.2033A>G (p.Gln678Arg)

Gene: TRIM2 (tripartite motif containing 2; plus strand). Cytogenetic location: 4q31.3.
Variant type: single nucleotide variant.
Coding change: c.2033A>G on transcript NM_015271.5 (MANE Select); coding-DNA position 2033, A replaced by G.
Protein change: p.Gln678Arg; replaces glutamine 678 with arginine.
Molecular consequence: missense variant.
Genome position (GRCh38, 1-based): chr4:153,328,540, A>G. VCF-style: chr4-153328540-A-G. GRCh37 (hg19) VCF-style: chr4-154249692-A-G.
Other names: c.2126A>G, p.Gln709Arg (NM_001375488.1); c.2123A>G, p.Gln708Arg (NM_001375489.1); c.1976A>G, p.Gln659Arg (NM_001375490.1); c.1973A>G, p.Gln658Arg (NM_001375491.1); c.1952A>G, p.Gln651Arg (NM_001375512.1, NM_001375513.1, NM_001375514.1 and 4 more transcripts); c.1700A>G, p.Gln567Arg (NM_001375519.1); c.1697A>G, p.Gln566Arg (NM_001375520.1); c.1694A>G, p.Gln565Arg (NM_001375522.1, NM_001375523.1, NM_001375525.1); and 4 more; short protein forms Q526R, Q651R, Q567R, Q655R, Q566R, Q659R, Q672R, Q708R.
Identifiers: ClinVar variation 1498493 (VCV001498493.6), dbSNP rs2149583488, ClinGen allele CA358470579.